The following is an entry in ClinVar:

ClinVar aggregate classification (germline): Conflicting classifications of pathogenicity. Review status: criteria provided, conflicting classifications (1 of 4 stars). 13 submissions from 13 submitters: Uncertain significance (1); Benign (4); Likely benign (4). 4 of the submissions do not count toward it. Last evaluated 2026-03-18.

Conditions:
Rothmund-Thomson syndrome type 2 (RTS2). Identifiers: Orphanet 221016, MedGen C5203410, MONDO:0016369, OMIM 268400.
RECQL4-related disorder. Also called: RECQL4-related condition; RECQL4-related disorders.
Hereditary cancer-predisposing syndrome. Also called: Tumor predisposition; Hereditary neoplastic syndrome; Hereditary Cancer Syndrome; Neoplastic Syndromes, Hereditary. Identifiers: Orphanet 140162, MedGen C0027672, MeSH D009386, MONDO:0015356.
Baller-Gerold syndrome (BGS). Also called: CRANIOSYNOSTOSIS WITH RADIAL DEFECTS. Identifiers: Orphanet 1225, MedGen C0265308, MONDO:0009039, OMIM 218600.

Allele frequency attached by ClinVar (database versions not stated): ExAC 0.00097; ESP Exome Variant Server 0.00197; TOPMed 0.00276; gnomAD 0.00294 and 0.00313; 1000 Genomes Project 0.00359; 1000 Genomes Project 30x 0.00406.
gnomAD v4.1: 1,019 of 1,611,598 alleles (0.063%); highest among the groups gnomAD compares: African/African-American, 0.95%; 4 homozygotes.

Submissions (13):

Dasa
Classification: Likely benign. Last evaluated: 2026-03-18. Review status: criteria provided, single submitter. Criteria: DASA Assertion Criteria. Collection method: clinical testing. Allele origin: germline.
Comment: NM_004260.4(RECQL4):c.3337G>C (p.Gly1113Arg) is a missense variant that results in the substitution of glycine with arginine. Population frequency is inconsistent with a disease-causing role for this variant, and observations in unaffected individuals support a benign interpretation. Therefore, based on the currently available evidence, this variant is classified as likely benign.

Labcorp Genetics (formerly Invitae), Labcorp
Classification: Benign for Baller-Gerold syndrome. Last evaluated: 2026-01-31. Review status: criteria provided, single submitter. Criteria: Invitae Variant Classification Sherloc (09022015). Collection method: clinical testing. Allele origin: germline.

Blueprint Genetics
Classification: Likely benign. Last evaluated: 2024-11-26. Review status: criteria provided, single submitter. Criteria: ACMG Guidelines, 2015. Collection method: clinical testing. Allele origin: germline.

CeGaT Center for Human Genetics Tuebingen
Classification: Likely benign. Last evaluated: 2023-02-01. Review status: criteria provided, single submitter. Criteria: CeGaT Center For Human Genetics Tuebingen Variant Classification Criteria Version 2. Collection method: clinical testing. Allele origin: germline. Affected: yes. Observed: 1 variant allele.
Comment: RECQL4: BP4

Genetic Services Laboratory, University of Chicago
Classification: Likely benign. Last evaluated: 2021-10-11. Review status: criteria provided, single submitter. Criteria: ACMG Guidelines, 2015. Collection method: clinical testing. Allele origin: germline. Affected: no.

GeneDx
Classification: Benign. Last evaluated: 2021-05-21. Review status: criteria provided, single submitter. Criteria: GeneDx Variant Classification Process June 2021. Collection method: clinical testing. Allele origin: germline. Affected: yes.

Baylor Genetics
Classification: Uncertain significance for Rothmund-Thomson syndrome type 2. Last evaluated: 2020-12-22. Review status: criteria provided, single submitter. Criteria: ACMG Guidelines, 2015. Collection method: clinical testing. Allele origin: unknown. Affected: yes. Study: CSER-TexasKidsCanSeq.
Comment: This variant was determined to be of uncertain significance according to ACMG Guidelines, 2015 [PMID:25741868].

Sema4
Classification: Benign for Hereditary cancer-predisposing syndrome. Last evaluated: 2020-10-09. Review status: criteria provided, single submitter. Criteria: Sema4 Curation Guidelines. Collection method: curation. Allele origin: germline.

Eurofins Ntd Llc (ga)
Classification: Benign. Last evaluated: 2015-06-01. Review status: criteria provided, single submitter. Criteria: EGL Classification Definitions 2015. Collection method: clinical testing. Allele origin: germline. Observed: 1 variant allele.

PreventionGenetics, part of Exact Sciences
Classification: Benign for RECQL4-related condition. Last evaluated: 2019-03-08. Review status: no assertion criteria provided. Collection method: clinical testing. Allele origin: germline. Not counted in ClinVar's aggregate classification.
Comment: This variant is classified as benign based on ACMG/AMP sequence variant interpretation guidelines (Richards et al. 2015 PMID: 25741868, with internal and published modifications).

ITMI
No classification provided. Condition: AllHighlyPenetrant. Last evaluated: 2013-09-19. Review status: no classification provided. Collection method: reference population. Allele origin: germline. Not counted in ClinVar's aggregate classification.
Comment: Please see associated publication for description of ethnicities

Clinical Genetics DNA and cytogenetics Diagnostics Lab, Erasmus MC, Erasmus Medical Center
Classification: Likely benign. Review status: no assertion criteria provided. Collection method: clinical testing. Allele origin: germline. Affected: yes. Study: VKGL Data-share Consensus. Not counted in ClinVar's aggregate classification.

Laboratory of Diagnostic Genome Analysis, Leiden University Medical Center (LUMC)
Classification: Likely benign. Review status: no assertion criteria provided. Collection method: clinical testing. Allele origin: germline. Affected: yes. Study: VKGL Data-share Consensus. Not counted in ClinVar's aggregate classification.

Literature cited by the submitters: PubMed 24728327 (cited by ITMI).

NM_004260.4(RECQL4):c.3337G>C (p.Gly1113Arg)

Gene: RECQL4 (RecQ like helicase 4; minus strand). Cytogenetic location: 8q24.3.
Variant type: single nucleotide variant.
Coding change: c.3337G>C on transcript NM_004260.4 (MANE Select); coding-DNA position 3337, G replaced by C.
Protein change: p.Gly1113Arg; replaces glycine 1113 with arginine.
Molecular consequence: missense variant.
Genome position (GRCh38, 1-based): chr8:144,511,967, C>G on the plus strand (G>C on the coding strand, the complement: RECQL4 is on the minus strand). VCF-style: chr8-144511967-C-G. GRCh37 (hg19) VCF-style: chr8-145737350-C-G.
Other names: short protein forms G1113R.
Identifiers: ClinVar variation 135152 (VCV000135152.55), dbSNP rs35101495, ClinGen allele CA161861.